The following is an entry in ClinVar:

NM_054021.2(GPR101):c.1312A>G (p.Ile438Val)

Gene: GPR101 (G protein-coupled receptor 101; minus strand). Cytogenetic location: Xq26.3.
Variant type: single nucleotide variant.
Coding change: c.1312A>G on transcript NM_054021.2 (MANE Select); coding-DNA position 1312, A replaced by G.
Protein change: p.Ile438Val; replaces isoleucine 438 with valine.
Molecular consequence: missense variant.
Genome position (GRCh38, 1-based): chrX:137,030,363, T>C on the plus strand (A>G on the coding strand, the complement: GPR101 is on the minus strand). VCF-style: chrX-137030363-T-C. GRCh37 (hg19) VCF-style: chrX-136112522-T-C.
Other names: c.1312A>G (NM_054021.1); short protein forms I438V.
Identifiers: ClinVar variation 2902898 (VCV002902898.4), dbSNP rs2520418518, ClinGen allele CA414766051.

ClinVar aggregate classification (germline): Uncertain significance. Review status: criteria provided, multiple submitters, no conflicts (2 of 4 stars). 2 submissions from 2 submitters: Uncertain significance (2). Last evaluated 2026-04-30.

Submissions (2):

Ambry Genetics
Classification: Uncertain significance. Last evaluated: 2026-04-30. Review status: criteria provided, single submitter. Criteria: Ambry Variant Classification Scheme 2023. Collection method: clinical testing. Allele origin: germline.

Labcorp Genetics (formerly Invitae), Labcorp
Classification: Uncertain significance. Last evaluated: 2023-10-22. Review status: criteria provided, single submitter. Criteria: Invitae Variant Classification Sherloc (09022015). Collection method: clinical testing. Allele origin: germline.
Comment: This sequence change replaces isoleucine, which is neutral and non-polar, with valine, which is neutral and non-polar, at codon 438 of the GPR101 protein (p.Ile438Val). This variant is not present in population databases (gnomAD no frequency). This variant has not been reported in the literature in individuals affected with GPR101-related conditions. Algorithms developed to predict the effect of missense changes on protein structure and function output the following: SIFT: "Not Available"; PolyPhen-2: "Benign"; Align-GVGD: "Not Available". The valine amino acid residue is found in multiple mammalian species, which suggests that this missense change does not adversely affect protein function. In summary, the available evidence is currently insufficient to determine the role of this variant in disease. Therefore, it has been classified as a Variant of Uncertain Significance.